The following is an entry in ClinVar:

NM_003321.5(TUFM):c.520-3C>T

Gene: TUFM (Tu translation elongation factor, mitochondrial; minus strand). Cytogenetic location: 16p11.2.
Variant type: single nucleotide variant.
Coding change: c.520-3C>T on transcript NM_003321.5 (MANE Select); 3 bases into the intron before coding-DNA position 520, C replaced by T.
Molecular consequence: intron variant.
Genome position (GRCh38, 1-based): chr16:28,844,865, G>A on the plus strand (C>T on the coding strand, the complement: TUFM is on the minus strand). VCF-style: chr16-28844865-G-A. GRCh37 (hg19) VCF-style: chr16-28856186-G-A.
Other names: c.520-3C>T (NM_001365360.2).
Identifiers: ClinVar variation 1933607 (VCV001933607.5), dbSNP rs754939356, ClinGen allele CA7985600.

ClinVar aggregate classification (germline): Uncertain significance (1 of 4 stars; one submission).

Allele frequency attached by ClinVar (database versions not stated): ExAC 0.00001; gnomAD exomes 0.00001.
gnomAD v4.1: 7 of 1,614,116 alleles (0.00043%); highest among the groups gnomAD compares: South Asian, 0.0066%; no homozygotes.

Submission:

Labcorp Genetics (formerly Invitae), Labcorp
Classification: Uncertain significance. Last evaluated: 2024-05-22. Review status: criteria provided, single submitter. Criteria: Invitae Variant Classification Sherloc (09022015). Collection method: clinical testing. Allele origin: germline.
Comment: This sequence change falls in intron 4 of the TUFM gene. It does not directly change the encoded amino acid sequence of the TUFM protein. It affects a nucleotide within the consensus splice site. This variant is present in population databases (rs754939356, gnomAD 0.006%). This variant has not been reported in the literature in individuals affected with TUFM-related conditions. ClinVar contains an entry for this variant (Variation ID: 1933607). Variants that disrupt the consensus splice site are a relatively common cause of aberrant splicing (PMID: 17576681, 9536098). Algorithms developed to predict the effect of sequence changes on RNA splicing suggest that this variant is not likely to affect RNA splicing. In summary, the available evidence is currently insufficient to determine the role of this variant in disease. Therefore, it has been classified as a Variant of Uncertain Significance.

Literature cited by the submitters: PubMed 17576681; PubMed 9536098.